The following is an entry in ClinVar:

ClinVar aggregate classification (germline): Likely benign. Review status: criteria provided, single submitter (1 of 4 stars). 2 submissions from 2 submitters: Likely benign (1). 1 of the submissions does not count toward it. Last evaluated 2024-02-16.

Conditions:
TSHR-related disorder. Also called: TSHR-related condition; TSHR-related disorders.

Allele frequency attached by ClinVar (database versions not stated): gnomAD exomes 0.00001 and 0.00003; ExAC 0.00002; TOPMed 0.00005; gnomAD 0.00007; ESP Exome Variant Server 0.00008.
gnomAD v4.1: 31 of 1,613,300 alleles (0.0019%); highest among the groups gnomAD compares: African/African-American, 0.023%; no homozygotes.

Submissions (2):

Labcorp Genetics (formerly Invitae), Labcorp
Classification: Likely benign. Last evaluated: 2024-02-16. Review status: criteria provided, single submitter. Criteria: Invitae Variant Classification Sherloc (09022015). Collection method: clinical testing. Allele origin: germline.

PreventionGenetics, part of Exact Sciences
Classification: Likely benign for TSHR-related condition. Last evaluated: 2019-12-26. Review status: no assertion criteria provided. Collection method: clinical testing. Allele origin: germline. Not counted in ClinVar's aggregate classification.
Comment: This variant is classified as likely benign based on ACMG/AMP sequence variant interpretation guidelines (Richards et al. 2015 PMID: 25741868, with internal and published modifications).

NM_000369.5(TSHR):c.1533G>A (p.Thr511=)

Genes: TSHR-AS1 (TSHR antisense RNA 1; minus strand), TSHR (thyroid stimulating hormone receptor; plus strand). Cytogenetic location: 14q31.1.
Variant type: single nucleotide variant.
Coding change: c.1533G>A on transcript NM_000369.5 (MANE Select); coding-DNA position 1533, G replaced by A.
Protein change: p.Thr511=; no amino-acid change (threonine 511 retained).
Molecular consequence: synonymous variant.
Genome position (GRCh38, 1-based): chr14:81,143,591, G>A. VCF-style: chr14-81143591-G-A. GRCh37 (hg19) VCF-style: chr14-81609935-G-A.
Identifiers: ClinVar variation 724913 (VCV000724913.8), dbSNP rs372373576, ClinGen allele CA7294471.
Genomic context (GRCh38, chr14:81,143,591, plus strand): 5'-CCCTGGGTGCAACACGGCTGGTTTCTTCACTGTCTTTGCAAGCGAGTTATCGGTGTATAC[G>A]CTGACGGTCATCACCCTGGAGCGCTGGTATGCCATCACCTTCGCCATGCGCCTGGACCGG-3'
Protein context (NP_000360.2, residues 501-521): TVFASELSVY[Thr511=]LTVITLERWY